The following is an entry in ClinVar:

NM_000059.4(BRCA2):c.8322dup (p.Met2775fs)

Gene: BRCA2 (BRCA2 DNA repair associated; plus strand). Cytogenetic location: 13q13.1.
Variant type: Duplication.
Coding change: c.8322dup on transcript NM_000059.4 (MANE Select); coding-DNA position 8322, one base duplicated (T; older notation c.8322dupT).
Protein change: p.Met2775fs; shifts the reading frame from methionine 2775.
Molecular consequence: frameshift variant.
Genome position (GRCh38, 1-based): chr13:32,363,524, T duplicated; the last of 2 consecutive T bases (chr13:32,363,523-32,363,524); duplicating either gives the same sequence. VCF-style (leftmost placement, unchanged base first): chr13-32363522-C-CT. GRCh37 (hg19) VCF-style: chr13-32937659-C-CT.
Other names: 8550insT; c.8322dupT (NM_000059.3); short protein forms M2775fs.
Identifiers: ClinVar variation 38153 (VCV000038153.21), dbSNP rs80359706, ClinGen allele CA025570.
Genomic context (GRCh38, chr13:32,363,522, plus strand): 5'-CATGGAGCAGAACTGGTGGGCTCTCCTGATGCCTGTACACCTCTTGAAGCCCCAGAATCT[C>CT]TTATGTTAAAGGTAAATTAATTTGCACTCTTGGTAAAAATCAGTCATTGATTCAGTTAAA-3'

ClinVar aggregate classification (germline): Pathogenic. Review status: reviewed by expert panel (3 of 4 stars). 9 submissions from 9 submitters: Pathogenic (1). 8 of the submissions do not count toward it. Last evaluated 2016-09-08.

Conditions:
Hereditary cancer-predisposing syndrome. Also called: Tumor predisposition; Neoplastic Syndromes, Hereditary; Hereditary neoplastic syndrome; Hereditary Cancer Syndrome. Identifiers: Orphanet 140162, MedGen C0027672, MeSH D009386, MONDO:0015356.
Breast neoplasm. Also called: Breast Neoplasms; Neoplasm of breast; Breast tumor; Neoplasm of the breast. Identifiers: MedGen C1458155, MeSH D001943, MONDO:0021100, HP:0100013. Disease mechanism: gain of function.
Hereditary breast ovarian cancer syndrome. Also called: Hereditary breast and ovarian cancer; Hereditary breast and ovarian cancer syndrome (HBOC); Hereditary breast and/or ovarian cancer syndrome; Breast and ovarian cancer; Hereditary breast and ovarian cancer syndrome; BRCA1- and BRCA2-Associated Hereditary Breast and Ovarian Cancer. Identifiers: Orphanet 145, MedGen C0677776, MeSH D061325, MONDO:0003582. Disease mechanism: loss of function.
Breast-ovarian cancer, familial, susceptibility to, 2 (BROVCA2). Also called: BRCA2 Hereditary Breast and Ovarian Cancer. Identifiers: Orphanet 145, MedGen C2675520, MONDO:0012933, OMIM 612555. Disease mechanism: loss of function.

Submissions (9):

Evidence-based Network for the Interpretation of Germline Mutant Alleles (ENIGMA)
Classification: Pathogenic for Breast-ovarian cancer, familial, susceptibility to, 2. Last evaluated: 2016-09-08. Review status: reviewed by expert panel. Criteria: ENIGMA BRCA1/2 Classification Criteria (2015). Collection method: curation. Allele origin: germline.
Comment: Variant allele predicted to encode a truncated non-functional protein.

Labcorp Genetics (formerly Invitae), Labcorp
Classification: Pathogenic for Hereditary breast ovarian cancer syndrome. Last evaluated: 2024-09-24. Review status: criteria provided, single submitter. Criteria: Invitae Variant Classification Sherloc (09022015). Collection method: clinical testing. Allele origin: germline. Not counted in ClinVar's aggregate classification.
Comment: This sequence change creates a premature translational stop signal (p.Met2775Tyrfs*7) in the BRCA2 gene. It is expected to result in an absent or disrupted protein product. Loss-of-function variants in BRCA2 are known to be pathogenic (PMID: 20104584). This variant is not present in population databases (gnomAD no frequency). This variant has not been reported in the literature in individuals affected with BRCA2-related conditions. This variant is also known as 8550insT. ClinVar contains an entry for this variant (Variation ID: 38153). For these reasons, this variant has been classified as Pathogenic.

Quest Diagnostics Nichols Institute San Juan Capistrano
Classification: Pathogenic. Last evaluated: 2024-09-08. Review status: criteria provided, single submitter. Criteria: Quest Diagnostics criteria. Collection method: clinical testing. Allele origin: unknown. Not counted in ClinVar's aggregate classification.
Comment: The BRCA2 c.8322dup (p.Met2775Tyrfs*7) variant alters the translational reading frame of the BRCA2 mRNA and causes the premature termination of BRCA2 protein synthesis. This variant has been reported in the published literature in individuals with a personal and/or family history of breast and/or ovarian cancer (PMID: 20104584 (2010), 16030099 (2005)). This variant has not been reported in large, multi-ethnic general populations (Genome Aggregation Database). Based on the available information, this variant is classified as pathogenic.

Ambry Genetics
Classification: Pathogenic for Hereditary cancer-predisposing syndrome. Last evaluated: 2023-05-02. Review status: criteria provided, single submitter. Criteria: Ambry Variant Classification Scheme 2023. Collection method: clinical testing. Allele origin: germline. Not counted in ClinVar's aggregate classification.
Comment: The c.8322dupT pathogenic mutation, located in coding exon 17 of the BRCA2 gene, results from a duplication of T at nucleotide position 8322, causing a translational frameshift with a predicted alternate stop codon (p.M2775Yfs*7). This mutation has been reported in multiple individuals with a personal or family history of breast and/or ovarian cancer (Weitzel JN et al. Cancer Epidemiol. Biomarkers Prev. 2005 Jul;14(7):1666-71; Borg A et al. Hum. Mutat. 2010 Mar;31(3):E1200-40; Rebbeck TR et al. Hum. Mutat. 2018 05;39:593-620). Of note, this alteration is also designated as 8550insT in published literature. This variant is considered to be rare based on population cohorts in the Genome Aggregation Database (gnomAD). In addition to the clinical data presented in the literature, this alteration is expected to result in loss of function by premature protein truncation or nonsense-mediated mRNA decay. As such, this alteration is interpreted as a disease-causing mutation.

GeneDx
Classification: Pathogenic. Last evaluated: 2019-11-18. Review status: criteria provided, single submitter. Criteria: GeneDx Variant Classification Process June 2021. Collection method: clinical testing. Allele origin: germline. Affected: yes. Not counted in ClinVar's aggregate classification.
Comment: Frameshift variant predicted to result in protein truncation or nonsense mediated decay in a gene for which loss-of-function is a known mechanism of disease; Not observed in large population cohorts (Lek 2016); Truncating variants in this gene are considered pathogenic by a well-established clinical consortium and/or database; Observed in individuals with BRCA2-related cancers (Weitzel 2005, Borg 2010); Also known as 8550insT; This variant is associated with the following publications: (PMID: 20104584, 26564481, 27257965, 28127413, 16030099, 31825140)

Laboratory of Molecular Diagnosis of Cancer, West China Hospital, Sichuan University
Classification: Pathogenic for Breast neoplasm. Last evaluated: 2015-11-01. Review status: criteria provided, single submitter. Criteria: ACMG Guidelines, 2015. Collection method: research. Allele origin: somatic. Affected: yes. Observed: 1 variant allele. Not counted in ClinVar's aggregate classification.

Consortium of Investigators of Modifiers of BRCA1/2 (CIMBA), c/o University of Cambridge
Classification: Pathogenic for Breast-ovarian cancer, familial, susceptibility to, 2. Last evaluated: 2015-10-02. Review status: criteria provided, single submitter. Criteria: CIMBA Mutation Classification guidelines May 2016. Collection method: clinical testing. Allele origin: germline. Not counted in ClinVar's aggregate classification.

Sharing Clinical Reports Project (SCRP)
Classification: Pathogenic for Breast-ovarian cancer, familial 2. Last evaluated: 2008-02-27. Review status: no assertion criteria provided. Collection method: clinical testing. Allele origin: germline. Not counted in ClinVar's aggregate classification.

Breast Cancer Information Core (BIC) (BRCA2)
Classification: Pathogenic for Breast-ovarian cancer, familial 2. Last evaluated: 2003-12-23. Review status: no assertion criteria provided. Collection method: clinical testing. Allele origin: germline. Affected: yes. Observed: 1 variant allele. Not counted in ClinVar's aggregate classification.

Literature cited by the submitters: PubMed 20104584 (cited by Labcorp Genetics (formerly Invitae), Labcorp and Quest Diagnostics Nichols Institute San Juan Capistrano); PubMed 16030099 (cited by Quest Diagnostics Nichols Institute San Juan Capistrano); PubMed 27257965 (cited by Quest Diagnostics Nichols Institute San Juan Capistrano and Laboratory of Molecular Diagnosis of Cancer, West China Hospital, Sichuan University); PubMed 29446198 (cited by Quest Diagnostics Nichols Institute San Juan Capistrano and Ambry Genetics); PubMed 31825140 (cited by Quest Diagnostics Nichols Institute San Juan Capistrano).